The following is an entry in ClinVar:

NM_007076.3(FICD):c.308A>G (p.Lys103Arg)

Gene: FICD (FIC domain protein adenylyltransferase; plus strand). Cytogenetic location: 12q23.3.
Variant type: single nucleotide variant.
Coding change: c.308A>G on transcript NM_007076.3 (MANE Select); coding-DNA position 308, A replaced by G.
Protein change: p.Lys103Arg; replaces lysine 103 with arginine.
Molecular consequence: missense variant.
Genome position (GRCh38, 1-based): chr12:108,518,406, A>G. VCF-style: chr12-108518406-A-G. GRCh37 (hg19) VCF-style: chr12-108912183-A-G.
Other names: NC_000012.11:g.108912183A>G; short protein forms K103R.
Identifiers: ClinVar variation 4379285 (VCV004379285.5).

ClinVar aggregate classification (germline): Likely benign (1 of 4 stars; one submission).

Submissions (13):

CeGaT Center for Human Genetics Tuebingen
Classification: Likely benign. Last evaluated: 2026-08-01. Review status: criteria provided, single submitter. Criteria: CeGaT Center For Human Genetics Tuebingen Variant Classification Criteria Version 2. Collection method: clinical testing. Allele origin: germline. Affected: yes. Observed: 2 variant alleles.
Comment: FICD: BP4, BS2

Dr. Peter K. Rogan Lab, Western University
No classification provided (evidence only). Condition: Lung cancer. Review status: no classification provided. Collection method: in vitro. Allele origin: not applicable. Functional consequence: retained intron. Not counted in ClinVar's aggregate classification.

Dr. Peter K. Rogan Lab, Western University
No classification provided (evidence only). Condition: Lung cancer. Review status: no classification provided. Collection method: in vitro. Allele origin: not applicable. Functional consequence: retained intron. Not counted in ClinVar's aggregate classification.

Dr. Peter K. Rogan Lab, Western University
No classification provided (evidence only). Condition: Melanoma. Review status: no classification provided. Collection method: in vitro. Allele origin: not applicable. Functional consequence: retained intron. Not counted in ClinVar's aggregate classification.

Dr. Peter K. Rogan Lab, Western University
No classification provided (evidence only). Condition: Melanoma. Review status: no classification provided. Collection method: in vitro. Allele origin: not applicable. Functional consequence: retained intron. Not counted in ClinVar's aggregate classification.

Dr. Peter K. Rogan Lab, Western University
No classification provided (evidence only). Condition: Thyroid cancer, nonmedullary, 1. Review status: no classification provided. Collection method: in vitro. Allele origin: not applicable. Functional consequence: retained intron. Not counted in ClinVar's aggregate classification.

Dr. Peter K. Rogan Lab, Western University
No classification provided (evidence only). Condition: Thyroid cancer, nonmedullary, 1. Review status: no classification provided. Collection method: in vitro. Allele origin: not applicable. Functional consequence: retained intron. Not counted in ClinVar's aggregate classification.

Dr. Peter K. Rogan Lab, Western University
No classification provided (evidence only). Condition: Uterine corpus endometrial carcinoma. Review status: no classification provided. Collection method: in vitro. Allele origin: not applicable. Functional consequence: retained intron. Not counted in ClinVar's aggregate classification.

Dr. Peter K. Rogan Lab, Western University
No classification provided (evidence only). Condition: Sarcoma. Review status: no classification provided. Collection method: in vitro. Allele origin: not applicable. Functional consequence: retained intron. Not counted in ClinVar's aggregate classification.

Dr. Peter K. Rogan Lab, Western University
No classification provided (evidence only). Condition: Malignant lymphoma, large B-cell, diffuse. Review status: no classification provided. Collection method: in vitro. Allele origin: not applicable. Functional consequence: retained intron. Not counted in ClinVar's aggregate classification.

Dr. Peter K. Rogan Lab, Western University
No classification provided (evidence only). Condition: Hepatocellular carcinoma. Review status: no classification provided. Collection method: in vitro. Allele origin: not applicable. Functional consequence: retained intron. Not counted in ClinVar's aggregate classification.

Dr. Peter K. Rogan Lab, Western University
No classification provided (evidence only). Condition: Ovarian serous cystadenocarcinoma. Review status: no classification provided. Collection method: in vitro. Allele origin: not applicable. Functional consequence: retained intron. Not counted in ClinVar's aggregate classification.

Dr. Peter K. Rogan Lab, Western University
No classification provided (evidence only). Condition: Malignant tumor of esophagus. Review status: no classification provided. Collection method: in vitro. Allele origin: not applicable. Functional consequence: retained intron. Not counted in ClinVar's aggregate classification.